The following is an entry in ClinVar:

NM_000110.4(DPYD):c.704G>A (p.Arg235Gln)

Gene: DPYD (dihydropyrimidine dehydrogenase; minus strand). Cytogenetic location: 1p21.3.
Variant type: single nucleotide variant.
Coding change: c.704G>A on transcript NM_000110.4 (MANE Select); coding-DNA position 704, G replaced by A.
Protein change: p.Arg235Gln; replaces arginine 235 with glutamine.
Molecular consequence: missense variant.
Genome position (GRCh38, 1-based): chr1:97,691,775, C>T on the plus strand (G>A on the coding strand, the complement: DPYD is on the minus strand). VCF-style: chr1-97691775-C-T. GRCh37 (hg19) VCF-style: chr1-98157331-C-T.
Other names: short protein forms R235Q.
Identifiers: ClinVar variation 555616 (VCV000555616.7), dbSNP rs755416212, ClinGen allele CA963581.

ClinVar aggregate classification (germline): Likely pathogenic. Review status: criteria provided, single submitter (1 of 4 stars). 3 submissions from 3 submitters: Likely pathogenic (1). 2 of the submissions do not count toward it. Last evaluated 2024-03-13.

Conditions:
5-fluorouracil response.
Dihydropyrimidine dehydrogenase deficiency (DPYDD). Also called: DPD DEFICIENCY; DPYD DEFICIENCY; Hereditary Thymine-Uraciluria. Identifiers: Orphanet 1675, MedGen C1959620, MONDO:0010130, OMIM 274270.

Allele frequency attached by ClinVar (database versions not stated): ExAC 0.00001; gnomAD exomes 0.00001; TOPMed 0.00002.
gnomAD v4.1: 15 of 1,613,190 alleles (0.00093%); highest among the groups gnomAD compares: Middle Eastern, 0.017%; no homozygotes.

Submissions (3):

Baylor Genetics
Classification: Likely pathogenic for Dihydropyrimidine dehydrogenase deficiency. Last evaluated: 2024-03-13. Review status: criteria provided, single submitter. Criteria: ACMG Guidelines, 2015. Collection method: clinical testing. Allele origin: unknown.

Counsyl
Classification: Uncertain significance for Dihydropyrimidine dehydrogenase deficiency. Last evaluated: 2017-12-14. Review status: no assertion criteria provided. Collection method: clinical testing. Allele origin: unknown. Not counted in ClinVar's aggregate classification.

IU Genetic Testing Laboratories, Indiana University School of Medicine
Classification: drug response for 5-fluorouracil response. Review status: no assertion criteria provided. Collection method: clinical testing, in vitro. Allele origin: unknown, not applicable. Affected: yes. Observed: 1 heterozygote. Functional consequence: variation affecting protein function. Not counted in ClinVar's aggregate classification.
Comment: The patient was compound heterozygous for DPYD p.R235Q and p.C79X variants. DPYD analysis of the parents revealed the proband mother’s DPD activity to be 50% below the population average with ex-vivo DPD testing using PBMCs (PMID: 18600544). Additionally, in-vitro function studies show Arg235Gln disrupts FAD binding (PMID: 20831907 and 21420945) and significantly reduces DPD function to 12% of wild-type activity which was similar to another known non-functional DPYD allele tested in the same assay, Arg235Trp (c.703C>T, rs1801266, legacy name: DPYD*8) (PMID: 32923881). This allele has been reported in 3 individuals of the European (non-Finnish) population according to gnomad with an overall allele frequency of 0.00001. In summary, the Arg235Gln variant meets the criteria to be classified as drug response and also likely pathogenic for DPD deficiency based on the previous segregation study and case report, variant absent from controls, and functional studies. (PMIDs: 18600544, 32923881, 20831907, 21420945)

Severe, life-threatening 5-fluorouracil toxicity.

Literature cited by the submitters: PubMed 18600544 (cited by Counsyl).